The following is an entry in ClinVar:

ClinVar aggregate classification (germline): Likely benign. Review status: criteria provided, multiple submitters, no conflicts (2 of 4 stars). 5 submissions from 5 submitters: Likely benign (5). Last evaluated 2025-11-19.

Conditions:
HNSHA due to aldolase A deficiency (GSD12). Also called: Glycogen storage disease due to aldolase A deficiency; GLYCOGEN STORAGE DISEASE XII; GSD XII; RED CELL ALDOLASE DEFICIENCY. Identifiers: Orphanet 57, MedGen C0272066, MONDO:0012747, OMIM 611881.

Allele frequency attached by ClinVar (database versions not stated): gnomAD exomes 0.00020 and 0.00037; ExAC 0.00036; gnomAD 0.00071 and 0.00072; TOPMed 0.00071; 1000 Genomes Project 30x 0.00078; 1000 Genomes Project 0.00080; ESP Exome Variant Server 0.00123.
gnomAD v4.1: 415 of 1,613,990 alleles (0.026%); highest among the groups gnomAD compares: Middle Eastern, 0.26%; 2 homozygotes.

Submissions (5):

Labcorp Genetics (formerly Invitae), Labcorp
Classification: Likely benign for HNSHA due to aldolase A deficiency. Last evaluated: 2025-11-19. Review status: criteria provided, single submitter. Criteria: Invitae Variant Classification Sherloc (09022015). Collection method: clinical testing. Allele origin: germline.

Genomic Medicine Center of Excellence, King Faisal Specialist Hospital and Research Centre
Classification: Likely benign. Last evaluated: 2025-08-18. Review status: criteria provided, single submitter. Criteria: ACMG Guidelines, 2015. Collection method: clinical testing. Allele origin: germline.

ARUP Laboratories, Molecular Genetics and Genomics, ARUP Laboratories
Classification: Likely benign for HNSHA due to aldolase A deficiency. Last evaluated: 2024-12-23. Review status: criteria provided, single submitter. Criteria: ARUP Molecular Germline Variant Investigation Process 2024. Collection method: clinical testing. Allele origin: germline.

Blueprint Genetics
Classification: Likely benign. Last evaluated: 2024-11-13. Review status: criteria provided, single submitter. Criteria: ACMG Guidelines, 2015. Collection method: clinical testing. Allele origin: germline.

GeneDx
Classification: Likely benign. Last evaluated: 2017-06-26. Review status: criteria provided, single submitter. Criteria: GeneDx Variant Classification (06012015). Collection method: clinical testing. Allele origin: germline. Affected: yes.
Comment: This variant is considered likely benign or benign based on one or more of the following criteria: it is a conservative change, it occurs at a poorly conserved position in the protein, it is predicted to be benign by multiple in silico algorithms, and/or has population frequency not consistent with disease.

NM_001243177.4(ALDOA):c.787-20G>A

Genes: ALDOA (aldolase, fructose-bisphosphate A; plus strand), LOC112694756 (uncharaterized LOC112694756; plus strand). Cytogenetic location: 16p11.2.
Variant type: single nucleotide variant.
Coding change: c.787-20G>A on transcript NM_001243177.4 (MANE Select); 20 bases into the intron before coding-DNA position 787, G replaced by A.
Molecular consequence: intron variant.
Genome position (GRCh38, 1-based): chr16:30,069,479, G>A. VCF-style: chr16-30069479-G-A. GRCh37 (hg19) VCF-style: chr16-30080800-G-A.
Other names: c.*1134-20G>A (NM_001365307.2, NM_001365305.2, NM_001365304.2); c.625-20G>A (NM_184043.2, NM_001127617.2, NM_184041.5).
Identifiers: ClinVar variation 510534 (VCV000510534.12), dbSNP rs75559164, ClinGen allele CA8001080.